The following is an entry in ClinVar:

ClinVar aggregate classification (germline): Pathogenic. Review status: criteria provided, multiple submitters, no conflicts (2 of 4 stars). 2 submissions from 2 submitters: Pathogenic (2). Last evaluated 2023-05-19.

Conditions:
Familial cancer of breast. Also called: hereditary breast carcinoma; Hereditary breast cancer; BREAST CANCER, FAMILIAL. Identifiers: Orphanet 227535, MedGen C0346153, MONDO:0016419, OMIM 114480. Disease mechanism: loss of function.

Submissions (2):

Myriad Genetics, Inc.
Classification: Pathogenic for Familial cancer of breast. Last evaluated: 2023-05-19. Review status: criteria provided, single submitter. Criteria: Myriad Autosomal Dominant, Autosomal Recessive and X-Linked Classification Criteria (2023). Collection method: clinical testing. Allele origin: unknown.
Comment: This variant is considered pathogenic. This variant creates a termination codon and is predicted to result in premature protein truncation.

Labcorp Genetics (formerly Invitae), Labcorp
Classification: Pathogenic for Familial cancer of breast. Last evaluated: 2020-04-30. Review status: criteria provided, single submitter. Criteria: Invitae Variant Classification Sherloc (09022015). Collection method: clinical testing. Allele origin: germline.
Comment: This sequence change creates a premature translational stop signal (p.Ile286*) in the BARD1 gene. It is expected to result in an absent or disrupted protein product. This variant is not present in population databases (ExAC no frequency). This variant has not been reported in the literature in individuals with BARD1-related conditions. Loss-of-function variants in BARD1 are known to be pathogenic (PMID: 20077502, 21344236). For these reasons, this variant has been classified as Pathogenic.

Literature cited by the submitters: PubMed 20077502 (cited by Labcorp Genetics (formerly Invitae), Labcorp); PubMed 21344236 (cited by Labcorp Genetics (formerly Invitae), Labcorp).

NM_000465.4(BARD1):c.856del (p.Gln285_Ile286insTer)

Gene: BARD1 (BRCA1 associated RING domain 1; minus strand). Cytogenetic location: 2q35.
Variant type: Deletion.
Coding change: c.856del on transcript NM_000465.4 (MANE Select); coding-DNA position 856, one base deleted (A; older notation c.856delA).
Protein change: p.Gln285_Ile286insTer.
Molecular consequence: nonsense. On other transcripts: non-coding transcript variant (2), intron variant (3).
Genome position (GRCh38, 1-based): chr2:214,781,018, T deleted on the plus strand (A on the coding strand, the reverse complement: BARD1 is on the minus strand); the first of 3 consecutive T bases (chr2:214,781,018-214,781,020); deleting any one gives the same sequence. VCF-style (leftmost placement, unchanged base first): chr2-214781017-AT-A. GRCh37 (hg19) VCF-style: chr2-215645741-AT-A.
Other names: c.799del, p.Gln266_Ile267insTer (NM_001282543.2); c.158+28394del (NM_001282548.2); c.215+16043del (NM_001282545.2); c.364+11279del (NM_001282549.2).
Identifiers: ClinVar variation 1076077 (VCV001076077.9), dbSNP rs2106110129, ClinGen allele CA2499215628.